The following is an entry in ClinVar:

NM_001252102.2(KIF21B):c.835C>T (p.Arg279Trp)

Gene: KIF21B (kinesin family member 21B; minus strand). Cytogenetic location: 1q32.1.
Variant type: single nucleotide variant.
Coding change: c.835C>T on transcript NM_001252102.2 (MANE Select); coding-DNA position 835, C replaced by T.
Protein change: p.Arg279Trp; replaces arginine 279 with tryptophan.
Molecular consequence: missense variant.
Genome position (GRCh38, 1-based): chr1:201,004,831, G>A on the plus strand (C>T on the coding strand, the complement: KIF21B is on the minus strand). VCF-style: chr1-201004831-G-A. GRCh37 (hg19) VCF-style: chr1-200973959-G-A.
Other names: c.835C>T, p.Arg279Trp (NM_001252100.2, NM_001252103.2, NM_017596.4); c.835C>T (NM_017596.2); short protein forms R279W.
Identifiers: ClinVar variation 2499298 (VCV002499298.2), dbSNP rs1657708486, ClinGen allele CA344112078.

ClinVar aggregate classification (germline): Uncertain significance. Review status: criteria provided, multiple submitters, no conflicts (2 of 4 stars). 2 submissions from 2 submitters: Uncertain significance (2). Last evaluated 2024-04-08.

Allele frequency attached by ClinVar (database versions not stated): gnomAD exomes below 0.00001; TOPMed below 0.00001; gnomAD 0.00001.
gnomAD v4.1: 3 of 1,614,008 alleles (0.00019%); highest among the groups gnomAD compares: Non-Finnish European, 0.00025%; no homozygotes.

Submissions (2):

Ambry Genetics
Classification: Uncertain significance. Last evaluated: 2024-04-08. Review status: criteria provided, single submitter. Criteria: Ambry Variant Classification Scheme 2023. Collection method: clinical testing. Allele origin: germline.

GeneDx
Classification: Uncertain significance. Last evaluated: 2023-04-07. Review status: criteria provided, single submitter. Criteria: GeneDx Variant Classification Process June 2021. Collection method: clinical testing. Allele origin: germline. Affected: yes.
Comment: Not observed at significant frequency in large population cohorts (gnomAD); In silico analysis supports that this missense variant has a deleterious effect on protein structure/function; Has not been previously published as pathogenic or benign to our knowledge